The following is an entry in ClinVar:

ClinVar aggregate classification (germline): Uncertain significance. Review status: criteria provided, multiple submitters, no conflicts (2 of 4 stars). 2 submissions from 2 submitters: Uncertain significance (2). Last evaluated 2024-08-23.

Conditions:
Charcot-Marie-Tooth disease axonal type 2O. Also called: CHARCOT-MARIE-TOOTH NEUROPATHY, AXONAL, TYPE 2O; CHARCOT-MARIE-TOOTH DISEASE, AXONAL, AUTOSOMAL DOMINANT, TYPE 2O; Charcot-Marie-Tooth Neuropathy Type 2O; Charcot-Marie-Tooth disease, axonal, type 20. Identifiers: Orphanet 284232, MedGen C3280220, MONDO:0013644, OMIM 614228.

gnomAD v4.1: 4 of 1,614,154 alleles (0.00025%); highest among the groups gnomAD compares: Non-Finnish European, 0.00017%; no homozygotes.

Submissions (2):

Blueprint Genetics
Classification: Uncertain significance. Last evaluated: 2024-08-23. Review status: criteria provided, single submitter. Criteria: ACMG Guidelines, 2015. Collection method: clinical testing. Allele origin: germline.

Labcorp Genetics (formerly Invitae), Labcorp
Classification: Uncertain significance for Charcot-Marie-Tooth disease axonal type 2O. Last evaluated: 2024-03-11. Review status: criteria provided, single submitter. Criteria: Invitae Variant Classification Sherloc (09022015). Collection method: clinical testing. Allele origin: germline.
Comment: This sequence change affects codon 3956 of the DYNC1H1 mRNA. It is a 'silent' change, meaning that it does not change the encoded amino acid sequence of the DYNC1H1 protein. This variant is not present in population databases (gnomAD no frequency). This variant has not been reported in the literature in individuals affected with DYNC1H1-related conditions. Algorithms developed to predict the effect of sequence changes on RNA splicing suggest that this variant may create or strengthen a splice site. In summary, the available evidence is currently insufficient to determine the role of this variant in disease. Therefore, it has been classified as a Variant of Uncertain Significance.

NM_001376.5(DYNC1H1):c.11868A>G (p.Gln3956=)

Gene: DYNC1H1 (dynein cytoplasmic 1 heavy chain 1; plus strand). Cytogenetic location: 14q32.31.
Variant type: single nucleotide variant.
Coding change: c.11868A>G on transcript NM_001376.5 (MANE Select); coding-DNA position 11868, A replaced by G.
Protein change: p.Gln3956=; no amino-acid change (glutamine 3956 retained).
Molecular consequence: synonymous variant.
Genome position (GRCh38, 1-based): chr14:102,040,600, A>G. VCF-style: chr14-102040600-A-G. GRCh37 (hg19) VCF-style: chr14-102506937-A-G.
Identifiers: ClinVar variation 3710908 (VCV003710908.3).